The following is an entry in ClinVar:

ClinVar aggregate classification (germline): Pathogenic. Review status: criteria provided, multiple submitters, no conflicts (2 of 4 stars). 2 submissions from 2 submitters: Pathogenic (2). Last evaluated 2023-01-05.

Conditions:
KBG syndrome (KBGS). Also called: ANKRD11-Related KBG Syndrome. Identifiers: Orphanet 2332, MedGen C0220687, MONDO:0007846, OMIM 148050.

Submissions (2):

GeneDx
Classification: Pathogenic. Last evaluated: 2023-01-05. Review status: criteria provided, single submitter. Criteria: GeneDx Variant Classification Process June 2021. Collection method: clinical testing. Allele origin: germline. Affected: yes.
Comment: Frameshift variant predicted to result in protein truncation or nonsense mediated decay in a gene for which loss of function is a known mechanism of disease; Not observed at significant frequency in large population cohorts (gnomAD); This variant is associated with the following publications: (PMID: 35970914)

Genome Medicine, Institute for Basic Research in Developmental Disabilities
Classification: Pathogenic for KBG syndrome. Review status: criteria provided, single submitter. Criteria: ACMG Guidelines, 2015. Collection method: clinical testing. Allele origin: de novo. Affected: yes. Observed: 1 variant allele.

Literature cited by the submitters: PubMed 35970914 (cited by Genome Medicine, Institute for Basic Research in Developmental Disabilities).

NM_013275.6(ANKRD11):c.4489_4490del (p.Arg1497fs)

Gene: ANKRD11 (ankyrin repeat domain 11; minus strand). Cytogenetic location: 16q24.3.
Variant type: Deletion.
Coding change: c.4489_4490del on transcript NM_013275.6 (MANE Select); coding-DNA positions 4489 to 4490, 2 bases deleted (AG; older notation c.4489_4490delAG).
Protein change: p.Arg1497fs; shifts the reading frame from arginine 1497.
Molecular consequence: frameshift variant.
Genome position (GRCh38, 1-based): chr16:89,282,052-89,282,053, CT deleted on the plus strand (AG on the coding strand, the reverse complement: ANKRD11 is on the minus strand). VCF-style (leftmost placement, unchanged base first): chr16-89282051-CCT-C. GRCh37 (hg19) VCF-style: chr16-89348459-CCT-C.
Other names: c.4489_4490del, p.Arg1497fs (NM_001256182.2, NM_001256183.2); c.4489_4490del (NM_013275.5); short protein forms R1497fs.
Identifiers: ClinVar variation 1701030 (VCV001701030.3), dbSNP rs2151749530, ClinGen allele CA2580092259.
Genomic context (GRCh38, chr16:89,282,051, plus strand): 5'-CTTGTCTTTGAGCACGCGGGGCGGGCTGTCCTTGTCCCTGGTGGCGGGCTTCTGCTCGTC[CCT>C]GTGATGCCGCAGGAGCTCGTCCCTGTGATGCCGCAGCAGCCCATCCGCATGCCTGTCCCG-3'